The following is an entry in ClinVar:

ClinVar aggregate classification (germline): Pathogenic. Review status: criteria provided, multiple submitters, no conflicts (2 of 4 stars). 2 submissions from 2 submitters: Pathogenic (2). Last evaluated 2025-07-29.

Conditions:
Recessive dystrophic epidermolysis bullosa (RDEB). Also called: epidermolysis bullosa dystrophica, autosomal recessive; EPIDERMOLYSIS BULLOSA DYSTROPHICA, HALLOPEAU-SIEMENS TYPE; DYSTROPHIC EPIDERMOLYSIS BULLOSA, AUTOSOMAL RECESSIVE; Hallopeau-Siemens Disease; severe generalized recessive dystrophic epidermolysis bullosa; EPIDERMOLYSIS BULLOSA DYSTROPHICA, GENERALIZED SEVERE, AUTOSOMAL RECESSIVE. Identifiers: Orphanet 79408, Orphanet 79409, MedGen C0079474, MONDO:0009179, OMIM 226600.

Submissions (2):

Myriad Genetics, Inc.
Classification: Pathogenic for Recessive dystrophic epidermolysis bullosa. Last evaluated: 2025-07-29. Review status: criteria provided, single submitter. Criteria: Myriad Autosomal Dominant, Autosomal Recessive and X-Linked Classification Criteria (2023). Collection method: clinical testing. Allele origin: unknown.
Comment: NM_000094.3(COL7A1):c.6751-1G>C is a variant in a canonical splice site classified as pathogenic in the context of dystrophic epidermolysis bullosa. c.6751-1G>C has been observed in a case with relevant disease (PMID: 39141798). Relevant functional assessments of this variant are not available in the literature. c.6751-1G>C has not been observed in referenced population frequency databases. In summary, NM_000094.3(COL7A1):c.6751-1G>C is a variant in a canonical splice site that has been observed more frequently in cases with the relevant disease than in healthy populations. Please note: this variant was assessed in the context of healthy population screening.

Labcorp Genetics (formerly Invitae), Labcorp
Classification: Pathogenic. Last evaluated: 2023-10-13. Review status: criteria provided, single submitter. Criteria: Invitae Variant Classification Sherloc (09022015). Collection method: clinical testing. Allele origin: germline.
Comment: This sequence change affects an acceptor splice site in intron 85 of the COL7A1 gene. It is expected to disrupt splicing. Variants that disrupt the donor or acceptor splice site typically lead to a loss of protein function (PMID: 16199547), and loss-of-function variants in COL7A1 are known to be disease-causing for autosomal recessive dystrophic epidermolysis bullosa (PMID: 16971478). However, certain variants affecting donor or acceptor splice sites in the triple helical domain of COL7A1 are expected to result in in-frame exon skipping and have been reported to cause autosomal dominant dystrophic epidermolysis bullosa (PMID: 31670143). This variant is not present in population databases (gnomAD no frequency). Disruption of this splice site has been observed in individuals with autosomal recessive dystrophic epidermolysis bullosa (PMID: 24213372). Algorithms developed to predict the effect of sequence changes on RNA splicing suggest that this variant may disrupt the consensus splice site. For these reasons, this variant has been classified as Pathogenic.

Literature cited by the submitters: PubMed 39141798 (cited by Myriad Genetics, Inc.); PubMed 16199547 (cited by Labcorp Genetics (formerly Invitae), Labcorp); PubMed 16971478 (cited by Labcorp Genetics (formerly Invitae), Labcorp); PubMed 31670143 (cited by Labcorp Genetics (formerly Invitae), Labcorp); PubMed 24213372 (cited by Labcorp Genetics (formerly Invitae), Labcorp).

NM_000094.4(COL7A1):c.6751-1G>C

Gene: COL7A1 (collagen type VII alpha 1 chain; minus strand). Cytogenetic location: 3p21.31.
Variant type: single nucleotide variant.
Coding change: c.6751-1G>C on transcript NM_000094.4 (MANE Select); the canonical splice acceptor site of the intron before coding-DNA position 6751, G replaced by C.
Molecular consequence: splice acceptor variant.
Genome position (GRCh38, 1-based): chr3:48,572,943, C>G on the plus strand (G>C on the coding strand, the complement: COL7A1 is on the minus strand). VCF-style: chr3-48572943-C-G. GRCh37 (hg19) VCF-style: chr3-48610376-C-G.
Identifiers: ClinVar variation 2785128 (VCV002785128.4), dbSNP rs1420754603, ClinGen allele CA352654949.